The following is an entry in ClinVar:

NM_001258392.3(CLPB):c.748C>G (p.Arg250Gly)

Gene: CLPB (ClpB family mitochondrial disaggregase; minus strand). Cytogenetic location: 11q13.4.
Variant type: single nucleotide variant.
Coding change: c.748C>G on transcript NM_001258392.3 (MANE Select); coding-DNA position 748, C replaced by G.
Protein change: p.Arg250Gly; replaces arginine 250 with glycine.
Molecular consequence: missense variant.
Genome position (GRCh38, 1-based): chr11:72,358,907, G>C on the plus strand (C>G on the coding strand, the complement: CLPB is on the minus strand). VCF-style: chr11-72358907-G-C. GRCh37 (hg19) VCF-style: chr11-72069951-G-C.
Other names: c.661C>G, p.Arg221Gly (NM_001258393.3); c.703C>G, p.Arg235Gly (NM_001258394.3); c.838C>G, p.Arg280Gly (NM_030813.6); short protein forms R280G, R250G, R235G, R221G.
Identifiers: ClinVar variation 573047 (VCV000573047.11), dbSNP rs146762466, ClinGen allele CA6171416.

ClinVar aggregate classification (germline): Uncertain significance. Review status: criteria provided, multiple submitters, no conflicts (2 of 4 stars). 3 submissions from 3 submitters: Uncertain significance (3). Last evaluated 2026-06-29.

Conditions:
CLPB-related disorder. Also called: CLPB-related condition.
3-methylglutaconic aciduria, type VIIA. Also called: 3-METHYLGLUTACONIC ACIDURIA WITH NEUROLOGIC INVOLVEMENT AND NEUTROPENIA, AUTOSOMAL DOMINANT. Identifiers: MedGen C5676967, MONDO:0859237, OMIM 619835.
Neutropenia, severe congenital, 9, autosomal dominant. Identifiers: MedGen C5676954, MONDO:0030726, OMIM 619813.
3-methylglutaconic aciduria, type VIIB (MGCA7B). Also called: CLPB Deficiency; 3-methylglutaconic aciduria with cataracts, neurologic involvement and neutropenia; 3-methylglutaconic aciduria, type VII, with cataracts, neurologic involvement and neutropenia. Identifiers: Orphanet 445038, MedGen C5676893, MONDO:0014561, OMIM 616271.

Allele frequency attached by ClinVar (database versions not stated): gnomAD 0.00010.
gnomAD v4.1: 483 of 1,605,136 alleles (0.03%); highest among the groups gnomAD compares: Non-Finnish European, 0.04%; 1 homozygote.

Submissions (3):

PreventionGenetics, part of Exact Sciences
Classification: Uncertain significance for CLPB-related condition. Last evaluated: 2026-06-29. Review status: criteria provided, single submitter. Criteria: ACMG Guidelines, 2015. Collection method: clinical testing. Allele origin: germline.
Comment: The CLPB c.838C>G variant is predicted to result in the amino acid substitution p.Arg280Gly. To our knowledge, this variant has not been reported in the literature. This variant is reported in 0.017% of alleles in individuals of European (Non-Finnish) descent in gnomAD and is classified as a variant of uncertain significance in ClinVar. At this time, the clinical significance of this variant is uncertain due to the absence of conclusive functional and genetic evidence.

Labcorp Genetics (formerly Invitae), Labcorp
Classification: Uncertain significance for 3-methylglutaconic aciduria, type VIIB. Last evaluated: 2026-02-01. Review status: criteria provided, single submitter. Criteria: Invitae Variant Classification Sherloc (09022015). Collection method: clinical testing. Allele origin: germline.
Comment: This sequence change replaces arginine, which is basic and polar, with glycine, which is neutral and non-polar, at codon 280 of the CLPB protein (p.Arg280Gly). This variant is present in population databases (rs146762466, gnomAD 0.02%). This variant has not been reported in the literature in individuals affected with CLPB-related conditions. ClinVar contains an entry for this variant (Variation ID: 573047). An algorithm developed to predict the effect of missense changes on protein structure and function (PolyPhen-2) suggests that this variant is likely to be tolerated. In summary, the available evidence is currently insufficient to determine the role of this variant in disease. Therefore, it has been classified as a Variant of Uncertain Significance.

Fulgent Genetics
Classification: Uncertain significance for 3-methylglutaconic aciduria, type VIIB; Neutropenia, severe congenital, 9, autosomal dominant; 3-methylglutaconic aciduria, type VIIA. Last evaluated: 2022-05-16. Review status: criteria provided, single submitter. Criteria: ACMG Guidelines, 2015. Collection method: clinical testing. Allele origin: unknown.